The following is an entry in ClinVar:

NM_020320.5(RARS2):c.721_722del (p.Trp241fs)

Gene: RARS2 (arginyl-tRNA synthetase 2, mitochondrial; minus strand). Cytogenetic location: 6q15.
Variant type: Microsatellite.
Coding change: c.721_722del on transcript NM_020320.5 (MANE Select); coding-DNA positions 721 to 722, 2 bases deleted (TG; older notation c.721_722delTG).
Protein change: p.Trp241fs; shifts the reading frame from tryptophan 241.
Molecular consequence: frameshift variant. On other transcripts: non-coding transcript variant (23).
Genome position (GRCh38, 1-based): chr6:87,530,833-87,530,834, CA deleted on the plus strand (TG on the coding strand, the reverse complement: RARS2 is on the minus strand); deleting any 2 consecutive bases within chr6:87,530,833-87,530,836 gives the same sequence; the c. name uses the placement nearest the transcript's 3' end. VCF-style (leftmost placement, unchanged base first): chr6-87530832-CCA-C. GRCh37 (hg19) VCF-style: chr6-88240550-CCA-C.
Other names: c.196_197del, p.Trp66fs (NM_001318785.2, NM_001350506.2, NM_001350507.2 and 4 more transcripts); c.721_722del, p.Trp241fs (NM_001350505.2); c.721_722del (NM_020320.4); short protein forms W241fs, W66fs.
Identifiers: ClinVar variation 3622172 (VCV003622172.3).

ClinVar aggregate classification (germline): Pathogenic/Likely pathogenic. Review status: criteria provided, multiple submitters, no conflicts (2 of 4 stars). 2 submissions from 2 submitters: Pathogenic (1); Likely pathogenic (1). Last evaluated 2024-11-19.

Conditions:
Pontocerebellar hypoplasia type 6 (PCH6). Identifiers: Orphanet 166073, MedGen C1969084, MONDO:0012683, OMIM 611523.

Submissions (2):

Labcorp Genetics (formerly Invitae), Labcorp
Classification: Pathogenic. Last evaluated: 2024-11-19. Review status: criteria provided, single submitter. Criteria: Invitae Variant Classification Sherloc (09022015). Collection method: clinical testing. Allele origin: germline.
Comment: This sequence change creates a premature translational stop signal (p.Trp241Alafs*9) in the RARS2 gene. It is expected to result in an absent or disrupted protein product. Loss-of-function variants in RARS2 are known to be pathogenic (PMID: 17847012, 22569581, 26083569). This variant is not present in population databases (gnomAD no frequency). This variant has not been reported in the literature in individuals affected with RARS2-related conditions. For these reasons, this variant has been classified as Pathogenic.

Natera, Inc.
Classification: Likely pathogenic for Pontocerebellar hypoplasia, type 6. Last evaluated: 2024-11-07. Review status: criteria provided, single submitter. Criteria: Natera Variant Classification Schema (03/2026). Collection method: clinical testing. Allele origin: germline.
Comment: The c.721_722del variant in RARS2 is a frameshift variant predicted to shift the reading frame beginning at codon 241 and leads to a stop codon 9 codons downstream. This variant is expected to result in nonsense mediated decay, truncation, or a dysfunctional protein product. This variant is rare in the general population with a frequency below the threshold expected for the associated phenotype(s). Given the available evidence, this variant is classified as Likely Pathogenic.

Literature cited by the submitters: PubMed 17847012 (cited by Labcorp Genetics (formerly Invitae), Labcorp); PubMed 22569581 (cited by Labcorp Genetics (formerly Invitae), Labcorp); PubMed 26083569 (cited by Labcorp Genetics (formerly Invitae), Labcorp).